The following is an entry in ClinVar:

ClinVar aggregate classification (germline): Uncertain significance (1 of 4 stars; one submission).

Conditions:
Hereditary cancer-predisposing syndrome. Also called: Tumor predisposition; Hereditary neoplastic syndrome; Hereditary Cancer Syndrome; Neoplastic Syndromes, Hereditary. Identifiers: Orphanet 140162, MedGen C0027672, MeSH D009386, MONDO:0015356.

Submission:

Ambry Genetics
Classification: Uncertain significance for Hereditary cancer-predisposing syndrome. Last evaluated: 2025-03-24. Review status: criteria provided, single submitter. Criteria: Ambry Variant Classification Scheme 2023. Collection method: clinical testing. Allele origin: germline.
Comment: The p.P175T variant (also known as c.523C>A), located in coding exon 6 of the SMARCE1 gene, results from a C to A substitution at nucleotide position 523. The proline at codon 175 is replaced by threonine, an amino acid with highly similar properties. This amino acid position is conserved. In addition, the in silico prediction for this alteration is inconclusive. Based on the available evidence, the clinical significance of this variant remains unclear.

NM_003079.5(SMARCE1):c.523C>A (p.Pro175Thr)

Gene: SMARCE1 (SWI/SNF related BAF chromatin remodeling complex subunit E1; minus strand). Cytogenetic location: 17q21.2.
Variant type: single nucleotide variant.
Coding change: c.523C>A on transcript NM_003079.5 (MANE Select); coding-DNA position 523, C replaced by A.
Protein change: p.Pro175Thr; replaces proline 175 with threonine.
Molecular consequence: missense variant.
Genome position (GRCh38, 1-based): chr17:40,635,949, G>T on the plus strand (C>A on the coding strand, the complement: SMARCE1 is on the minus strand). VCF-style: chr17-40635949-G-T. GRCh37 (hg19) VCF-style: chr17-38792201-G-T.
Other names: short protein forms P175T.
Identifiers: ClinVar variation 3958589 (VCV003958589.1).
Genomic context (GRCh38, chr17:40,635,949, plus strand): 5'-CACAGAGAAAGCATAAACAAAACCCCACTTTTTTTCTTTTACCATCTGGATCTTCAGCAG[G>T]CTGAATGCTCATGTACGGTTCTCCTTTCTCCATGCGAGATTGTCTCTGTCGACTTTCTTC-3'
Protein context (NP_003070.3, residues 165-185): EKGEPYMSIQ[Pro175Thr]AEDPDDYDDG